The following is an entry in ClinVar:

ClinVar aggregate classification (germline): Pathogenic (1 of 4 stars; one submission).

Conditions:
Inborn genetic diseases. Identifiers: MedGen C0950123, MeSH D030342.

Submission:

Ambry Genetics
Classification: Pathogenic for Inborn genetic diseases. Last evaluated: 2017-09-18. Review status: criteria provided, single submitter. Criteria: Ambry Variant Classification Scheme 2023. Collection method: clinical testing. Allele origin: germline.
Comment: The c.916+1G>A intronic pathogenic mutation results from a G to A substitution one nucleotide after coding exon 6 of the ZEB2 gene. Alterations that disrupt the canonical splice site are expected to cause aberrant splicing, resulting in an abnormal protein or a transcript that is subject to nonsense-mediated mRNA decay. In addition, a downstream intronic alteration that affects the same donor site has been reported to occur de novo in an individual with Mowat-Wilson syndrome (Balasubramaniam S et al. Singapore Med J, 2010 Mar;51:e54-7). As such, this alteration is classified as a pathogenic mutation.

Literature cited by the submitters: PubMed 20428734.

NM_014795.4(ZEB2):c.916+1G>A

Gene: ZEB2 (zinc finger E-box binding homeobox 2; minus strand). Cytogenetic location: 2q22.3.
Variant type: single nucleotide variant.
Coding change: c.916+1G>A on transcript NM_014795.4 (MANE Select); the canonical splice donor site of the intron after coding-DNA position 916, G replaced by A.
Molecular consequence: splice donor variant.
Genome position (GRCh38, 1-based): chr2:144,401,198, C>T on the plus strand (G>A on the coding strand, the complement: ZEB2 is on the minus strand). VCF-style: chr2-144401198-C-T. GRCh37 (hg19) VCF-style: chr2-145158765-C-T.
Other names: c.844+1G>A (NM_001171653.2).
Identifiers: ClinVar variation 1766011 (VCV001766011.2), dbSNP rs2149877941, ClinGen allele CA348713444.
Genomic context (GRCh38, chr2:144,401,198, plus strand): 5'-TTTTAAAACTCCCCTAATTAAGTAAAATGCAAATGCGAGCTCCAGCACCTCTGCTACTCA[C>T]CACTGTGAATTCGCAGGTGTTCTTTCAGATGGTGTTTATATTTGAAGGCCTTGCCACACT-3'